The following is an entry in ClinVar:

ClinVar aggregate classification (germline): Uncertain significance (1 of 4 stars; one submission).

Conditions:
Epilepsy, familial focal, with variable foci 1 (FFEVF1). Also called: DEPDC5-Related Epilepsy. Identifiers: MedGen C4551983, MONDO:0024556, OMIM 604364.

Submission:

Neuberg Centre For Genomic Medicine, NCGM
Classification: Uncertain significance for Epilepsy, familial focal, with variable foci 1. Last evaluated: 2023-03-01. Review status: criteria provided, single submitter. Criteria: ACMG Guidelines, 2015. Collection method: clinical testing. Allele origin: germline. Inheritance: Autosomal dominant inheritance. Affected: yes.
Comment: The missense c.704C>G (p.Pro235Arg) variant in DEPDC5 gene has not been reported previously as a pathogenic variant nor as a benign variant, to our knowledge. The p.Pro235Arg variant is novel (not in any individuals) in gnomAD Exomes and 1000 Genomes. This variant has not been reported to the ClinVar database. The amino acid change p.Pro235Arg in DEPDC5 is predicted as conserved by GERP++ and PhyloP across 100 vertebrates. The amino acid Pro at position 235 is changed to a Arg changing protein sequence and it might alter its composition and physico-chemical properties. For these reasons, this variant has been classified as Variant of Uncertain Significance (VUS).

NM_001242896.3(DEPDC5):c.704C>G (p.Pro235Arg)

Gene: DEPDC5 (DEP domain containing 5, GATOR1 subcomplex subunit; plus strand). Cytogenetic location: 22q12.2.
Variant type: single nucleotide variant.
Coding change: c.704C>G on transcript NM_001242896.3 (MANE Select); coding-DNA position 704, C replaced by G.
Protein change: p.Pro235Arg; replaces proline 235 with arginine.
Molecular consequence: missense variant. On other transcripts: non-coding transcript variant (5).
Genome position (GRCh38, 1-based): chr22:31,792,754, C>G. VCF-style: chr22-31792754-C-G. GRCh37 (hg19) VCF-style: chr22-32188740-C-G.
Other names: c.704C>G, p.Pro235Arg (NM_001007188.4, NM_001136029.4, NM_001242897.2 and 7 more transcripts); c.620C>G, p.Pro207Arg (NM_001369901.1, NM_001369902.1); short protein forms P207R, P235R.
Identifiers: ClinVar variation 2671787 (VCV002671787.1), dbSNP rs779693279, ClinGen allele CA411288882.